The following is an entry in ClinVar:

ClinVar aggregate classification (germline): Benign (3 of 4 stars; one submission).

Conditions:
Breast-ovarian cancer, familial, susceptibility to, 1 (BROVCA1). Also called: BRCA1 Hereditary Breast and Ovarian Cancer; OVARIAN CANCER, SUSCEPTIBILITY TO. Identifiers: Orphanet 145, MedGen C2676676, MONDO:0011450, OMIM 604370. Disease mechanism: loss of function.

Allele frequency attached by ClinVar (database versions not stated): 1000 Genomes Project 30x 0.00062; gnomAD 0.00077 and 0.00078.

Submission:

Evidence-based Network for the Interpretation of Germline Mutant Alleles (ENIGMA)
Classification: Benign for Breast-ovarian cancer, familial 1. Last evaluated: 2015-01-12. Review status: reviewed by expert panel. Criteria: ENIGMA BRCA1/2 Classification Criteria (2015). Collection method: curation. Allele origin: germline.
Comment: Class 1 not pathogenic based on frequency >1% in an outbred sampleset. Frequency 0.24 (Asian), 0.2 (African), 0.23 (European), derived from 1000 genomes (2012-04-30).

NM_007294.4(BRCA1):c.671-244_671-243insGTA

Gene: BRCA1 (BRCA1 DNA repair associated; minus strand). Cytogenetic location: 17q21.31.
Variant type: Insertion.
Coding change: c.671-244_671-243insGTA on transcript NM_007294.4 (MANE Select); 244 bases into the intron before coding-DNA position 671 through 243 bases into the intron before coding-DNA position 671, GTA inserted.
Molecular consequence: intron variant.
Genome position: GRCh38 VCF-style: chr17-43095103-A-ATAC. GRCh37 (hg19) VCF-style: chr17-41247120-A-ATAC.
Other names: IVS 10-244insGTA; c.668-244_668-243insGTA (NM_001407637.1, NM_001407860.1, NM_001407611.1 and 38 more transcripts); c.548-244_548-243insGTA (NM_001408443.1, NM_001408439.1, NM_001408425.1 and 34 more transcripts); c.670+742_670+743insGTA (NM_001408419.1, NM_001408422.1, NM_001408418.1 and 2 more transcripts); c.671-244_671-243insGTA (NM_001408403.1, NM_001407983.1, NM_001407975.1 and 53 more transcripts); c.167-244_167-243insGTA (NM_001407965.1, NM_001408512.1); c.404-244_404-243insGTA (NM_001407930.1, NM_001408504.1, NM_001407931.1 and 5 more transcripts); c.527-244_527-243insGTA (NM_001407843.1, NM_001408465.1, NM_001408463.1 and 26 more transcripts); and 21 more.
Identifiers: ClinVar variation 209445 (VCV000209445.2), dbSNP rs200368134, ClinGen allele CA276417.
Genomic context (GRCh38, chr17:43,095,103, plus strand): 5'-ATTATTTCCACTTAGGATCCATTAAATTTTTAATTTCAGAATTTTCCCTATGCAGAAACC[A>ATAC]CACCTATTTCTCTAACGTCTAAGAGTGAATTAAAAGCAGATTGGCCATCAGAAAACTGGT-3'